The following is an entry in ClinVar:

NM_002317.7(LOX):c.217G>A (p.Gly73Ser)

Genes: LOX (lysyl oxidase; minus strand), SRFBP1 (serum response factor binding protein 1; plus strand). Cytogenetic location: 5q23.1.
Variant type: single nucleotide variant.
Coding change: c.217G>A on transcript NM_002317.7 (MANE Select); coding-DNA position 217, G replaced by A.
Protein change: p.Gly73Ser; replaces glycine 73 with serine.
Molecular consequence: missense variant.
Genome position (GRCh38, 1-based): chr5:122,077,769, C>T on the plus strand (G>A on the coding strand, the complement: LOX is on the minus strand). VCF-style: chr5-122077769-C-T. GRCh37 (hg19) VCF-style: chr5-121413464-C-T.
Other names: short protein forms G73S.
Identifiers: ClinVar variation 1449797 (VCV001449797.6), dbSNP rs1414622659, ClinGen allele CA360877515.

ClinVar aggregate classification (germline): Uncertain significance (1 of 4 stars; one submission).

gnomAD v4.1: 2 of 1,550,322 alleles (0.00013%); highest among the groups gnomAD compares: Non-Finnish European, 0.00017%; no homozygotes.

Submission:

Labcorp Genetics (formerly Invitae), Labcorp
Classification: Uncertain significance. Last evaluated: 2024-10-27. Review status: criteria provided, single submitter. Criteria: Invitae Variant Classification Sherloc (09022015). Collection method: clinical testing. Allele origin: germline.
Comment: This sequence change replaces glycine, which is neutral and non-polar, with serine, which is neutral and polar, at codon 73 of the LOX protein (p.Gly73Ser). This variant is not present in population databases (gnomAD no frequency). This variant has not been reported in the literature in individuals affected with LOX-related conditions. ClinVar contains an entry for this variant (Variation ID: 1449797). Invitae Evidence Modeling of protein sequence and biophysical properties (such as structural, functional, and spatial information, amino acid conservation, physicochemical variation, residue mobility, and thermodynamic stability) indicates that this missense variant is not expected to disrupt LOX protein function with a negative predictive value of 95%. In summary, the available evidence is currently insufficient to determine the role of this variant in disease. Therefore, it has been classified as a Variant of Uncertain Significance.